The following is an entry in ClinVar:

ClinVar aggregate classification (germline): Conflicting classifications of pathogenicity. Review status: criteria provided, conflicting classifications (1 of 4 stars). 3 submissions from 3 submitters: Uncertain significance (2); Likely benign (1). Last evaluated 2026-02-11.

Conditions:
SLC5A7-related disorder. Also called: SLC5A7-related condition.
Neuronopathy, distal hereditary motor, type 7A. Also called: NEURONOPATHY, DISTAL HEREDITARY MOTOR, HARDING TYPE VIIA; NEUROPATHY, DISTAL HEREDITARY MOTOR, HARDING TYPE VIIA; Neuronopathy, distal hereditary motor, autosomal dominant 7; Neuronopathy, distal hereditary motor, type viia; HARPER-YOUNG MYOPATHY; HMN VIIA. Identifiers: Orphanet 139589, MedGen C1834703, MONDO:0008024, OMIM 158580.
Congenital myasthenic syndrome 20. Also called: Myasthenic syndrome, congenital, 20, presynaptic. Identifiers: MedGen C4310694, MONDO:0014939, OMIM 617143.
Inborn genetic diseases. Identifiers: MedGen C0950123, MeSH D030342.

Allele frequency attached by ClinVar (database versions not stated): gnomAD 0.00001 and 0.00002; gnomAD exomes 0.00001 and 0.00004; ExAC 0.00002; TOPMed 0.00003; 1000 Genomes Project 30x 0.00016; 1000 Genomes Project 0.00020.
gnomAD v4.1: 15 of 1,613,912 alleles (0.00093%); highest among the groups gnomAD compares: East Asian, 0.025%; no homozygotes.

Submissions (3):

PreventionGenetics, part of Exact Sciences
Classification: Uncertain significance for SLC5A7-related condition. Last evaluated: 2026-02-11. Review status: criteria provided, single submitter. Criteria: ACMG Guidelines, 2015. Collection method: clinical testing. Allele origin: germline.
Comment: The SLC5A7 c.1478G>T variant is predicted to result in the amino acid substitution p.Cys493Phe. To our knowledge, this variant has not been reported in the literature. This variant is reported in 0.049% of alleles in individuals of East Asian descent in gnomAD. At this time, the clinical significance of this variant is uncertain due to the absence of conclusive functional and genetic evidence.

Labcorp Genetics (formerly Invitae), Labcorp
Classification: Uncertain significance for Neuronopathy, distal hereditary motor, type 7A; Congenital myasthenic syndrome 20. Last evaluated: 2025-06-17. Review status: criteria provided, single submitter. Criteria: Invitae Variant Classification Sherloc (09022015). Collection method: clinical testing. Allele origin: germline.
Comment: This sequence change replaces cysteine, which is neutral and slightly polar, with phenylalanine, which is neutral and non-polar, at codon 493 of the SLC5A7 protein (p.Cys493Phe). This variant is present in population databases (rs532174786, gnomAD 0.05%). This variant has not been reported in the literature in individuals affected with SLC5A7-related conditions. ClinVar contains an entry for this variant (Variation ID: 648681). Invitae Evidence Modeling of protein sequence and biophysical properties (such as structural, functional, and spatial information, amino acid conservation, physicochemical variation, residue mobility, and thermodynamic stability) indicates that this missense variant is not expected to disrupt SLC5A7 protein function with a negative predictive value of 80%. Algorithms developed to predict the effect of sequence changes on RNA splicing suggest that this variant may create or strengthen a splice site. In summary, the available evidence is currently insufficient to determine the role of this variant in disease. Therefore, it has been classified as a Variant of Uncertain Significance.

Ambry Genetics
Classification: Likely benign for Inborn genetic diseases. Last evaluated: 2020-08-19. Review status: criteria provided, single submitter. Criteria: Ambry Variant Classification Scheme 2023. Collection method: clinical testing. Allele origin: germline.

NM_021815.5(SLC5A7):c.1478G>T (p.Cys493Phe)

Gene: SLC5A7 (solute carrier family 5 member 7; plus strand). Cytogenetic location: 2q12.3.
Variant type: single nucleotide variant.
Coding change: c.1478G>T on transcript NM_021815.5 (MANE Select); coding-DNA position 1478, G replaced by T.
Protein change: p.Cys493Phe; replaces cysteine 493 with phenylalanine.
Molecular consequence: missense variant.
Genome position (GRCh38, 1-based): chr2:108,010,596, G>T. VCF-style: chr2-108010596-G-T. GRCh37 (hg19) VCF-style: chr2-108627052-G-T.
Other names: c.1478G>T, p.Cys493Phe (NM_001305005.3); c.1163G>T, p.Cys388Phe (NM_001305006.3); c.737G>T, p.Cys246Phe (NM_001305007.3); c.1478G>T (NM_021815.4); short protein forms C388F, C493F, C246F.
Identifiers: ClinVar variation 648681 (VCV000648681.9), dbSNP rs532174786, ClinGen allele CA1819182.